The following is an entry in ClinVar:

NM_133259.4(LRPPRC):c.3697_3701delinsCAAG (p.Ala1233fs)

Gene: LRPPRC (leucine rich pentatricopeptide repeat containing; minus strand). Cytogenetic location: 2p21.
Variant type: Indel.
Coding change: c.3697_3701delinsCAAG on transcript NM_133259.4 (MANE Select); coding-DNA positions 3697 to 3701, GCAGT replaced by CAAG.
Protein change: p.Ala1233fs; shifts the reading frame from alanine 1233.
Molecular consequence: frameshift variant.
Genome position (GRCh38, 1-based): chr2:43,899,474-43,899,478, ACTGC replaced by CTTG on the plus strand (GCAGT replaced by CAAG on the coding strand, the reverse complement: LRPPRC is on the minus strand). VCF-style: chr2-43899474-ACTGC-CTTG. GRCh37 (hg19) VCF-style: chr2-44126613-ACTGC-CTTG.
Other names: short protein forms A1233fs.
Identifiers: ClinVar variation 1726820 (VCV001726820.2), dbSNP rs2466377994, ClinGen allele CA2580066491.

ClinVar aggregate classification (germline): Likely pathogenic (1 of 4 stars; one submission).

Conditions:
Congenital lactic acidosis, Saguenay-Lac-Saint-Jean type (MC4DN5). Also called: CYTOCHROME c OXIDASE DEFICIENCY, FRENCH CANADIAN TYPE; COX DEFICIENCY, FRENCH CANADIAN TYPE; MITOCHONDRIAL COMPLEX IV DEFICIENCY, NUCLEAR TYPE 5. Identifiers: Orphanet 70472, MedGen C1857355, MONDO:0009069, OMIM 220111.

Submission:

Myriad Genetics, Inc.
Classification: Likely pathogenic for Congenital lactic acidosis, Saguenay-Lac-Saint-Jean type. Last evaluated: 2022-01-02. Review status: criteria provided, single submitter. Criteria: Myriad Women's Health Autosomal Recessive and X-Linked Classification Criteria (2021). Collection method: clinical testing. Allele origin: unknown.
Comment: NM_133259.3(LRPPRC):c.3697_3701del5ins4(A1233Qfs*5) is expected to be pathogenic in the context of Leigh syndrome, French-Canadian type. This variant is predicted to lead to an abnormal or absent protein product due to the creation of a premature termination codon in LRPPRC, a gene where loss-of-function variants are known to be pathogenic. Please note: this variant was assessed in the context of healthy population screening.